The following is an entry in ClinVar:

ClinVar aggregate classification (germline): Uncertain significance (1 of 4 stars; one submission).

Conditions:
Muscular dystrophy-dystroglycanopathy (congenital with brain and eye anomalies), type a, 8 (MDDGA8). Also called: WALKER-WARBURG SYNDROME OR MUSCLE-EYE-BRAIN DISEASE, GTDC2-RELATED. Identifiers: Orphanet 899, MedGen C3553813, MONDO:0013904, OMIM 614830.

Allele frequency attached by ClinVar (database versions not stated): gnomAD exomes below 0.00001.
gnomAD v4.1: 1 of 1,611,544 alleles (0.000062%); highest among the groups gnomAD compares: African/African-American, 0.0013%; no homozygotes.

Submission:

Labcorp Genetics (formerly Invitae), Labcorp
Classification: Uncertain significance for Muscular dystrophy-dystroglycanopathy (congenital with brain and eye anomalies), type a, 8. Last evaluated: 2019-05-13. Review status: criteria provided, single submitter. Criteria: Invitae Variant Classification Sherloc (09022015). Collection method: clinical testing. Allele origin: germline.
Comment: This sequence change replaces alanine with threonine at codon 37 of the POMGNT2 protein (p.Ala37Thr). The alanine residue is moderately conserved and there is a small physicochemical difference between alanine and threonine. This variant is not present in population databases (ExAC no frequency). This variant has not been reported in the literature in individuals with POMGNT2-related conditions. Algorithms developed to predict the effect of missense changes on protein structure and function (SIFT, PolyPhen-2, Align-GVGD) all suggest that this variant is likely to be tolerated, but these predictions have not been confirmed by published functional studies and their clinical significance is uncertain. In summary, the available evidence is currently insufficient to determine the role of this variant in disease. Therefore, it has been classified as a Variant of Uncertain Significance.

NM_032806.6(POMGNT2):c.109G>A (p.Ala37Thr)

Gene: POMGNT2 (protein O-linked mannose N-acetylglucosaminyltransferase 2 (beta 1,4-); minus strand). Cytogenetic location: 3p22.1.
Variant type: single nucleotide variant.
Coding change: c.109G>A on transcript NM_032806.6 (MANE Select); coding-DNA position 109, G replaced by A.
Protein change: p.Ala37Thr; replaces alanine 37 with threonine.
Molecular consequence: missense variant.
Genome position (GRCh38, 1-based): chr3:43,081,323, C>T on the plus strand (G>A on the coding strand, the complement: POMGNT2 is on the minus strand). VCF-style: chr3-43081323-C-T. GRCh37 (hg19) VCF-style: chr3-43122815-C-T.
Other names: short protein forms A37T.
Identifiers: ClinVar variation 945112 (VCV000945112.6), dbSNP rs1335685375, ClinGen allele CA352303922.
Genomic context (GRCh38, chr3:43,081,323, plus strand): 5'-GTGCCTTCGGGTAGTCGATCCTCAGTGCTGGGGCTGGCTCTGTGGCCTGTCGGCTGAGGG[C>T]CAGCTCCTCCTCCAGTGTGGCTGCATGCTCACGCAGCCGCACATGCTTCCACAGGACCGC-3'
Protein context (NP_116195.2, residues 27-47): EHAATLEEEL[Ala37Thr]LSRQATEPAP